The following is an entry in ClinVar:

NM_006186.4(NR4A2):c.674G>T (p.Arg225Leu)

Gene: NR4A2 (nuclear receptor subfamily 4 group A member 2; minus strand). Cytogenetic location: 2q24.1.
Variant type: single nucleotide variant.
Coding change: c.674G>T on transcript NM_006186.4 (MANE Select); coding-DNA position 674, G replaced by T.
Protein change: p.Arg225Leu; replaces arginine 225 with leucine.
Molecular consequence: missense variant.
Genome position (GRCh38, 1-based): chr2:156,329,513, C>A on the plus strand (G>T on the coding strand, the complement: NR4A2 is on the minus strand). VCF-style: chr2-156329513-C-A. GRCh37 (hg19) VCF-style: chr2-157186025-C-A.
Other names: c.485G>T, p.Arg162Leu (NM_173173.3); short protein forms R162L, R225L.
Identifiers: ClinVar variation 3781080 (VCV003781080.1).

ClinVar aggregate classification (germline): Uncertain significance (1 of 4 stars; one submission).

gnomAD v4.1: 2 of 1,604,900 alleles (0.00012%); highest among the groups gnomAD compares: Non-Finnish European, 0.00017%; no homozygotes.

Submission:

GeneDx
Classification: Uncertain significance. Last evaluated: 2024-10-20. Review status: criteria provided, single submitter. Criteria: GeneDx Variant Classification Process June 2021. Collection method: clinical testing. Allele origin: germline. Affected: yes.
Comment: Not observed at significant frequency in large population cohorts (gnomAD); In silico analysis indicates that this missense variant does not alter protein structure/function; Has not been previously published as pathogenic or benign to our knowledge